The following is an entry in ClinVar:

NM_001041.4(SI):c.4406+1G>A

Gene: SI (sucrase-isomaltase; minus strand). Cytogenetic location: 3q26.1.
Variant type: single nucleotide variant.
Coding change: c.4406+1G>A on transcript NM_001041.4 (MANE Select); the canonical splice donor site of the intron after coding-DNA position 4406, G replaced by A.
Molecular consequence: splice donor variant.
Genome position (GRCh38, 1-based): chr3:165,006,815, C>T on the plus strand (G>A on the coding strand, the complement: SI is on the minus strand). VCF-style: chr3-165006815-C-T. GRCh37 (hg19) VCF-style: chr3-164724603-C-T.
Identifiers: ClinVar variation 2631943 (VCV002631943.1), dbSNP rs2473240506, ClinGen allele CA355032243.
Genomic context (GRCh38, chr3:165,006,815, plus strand): 5'-CATTAAATGTAAGAACCAAAGAATAAAAGAGTCAGAGAGGATAATTCAGAACATTGCTTA[C>T]TCATGAGTAGGTTTCATCTGTGACCATCCATAGAGATTGTGAACATCGTAATGCAAAACT-3'

ClinVar aggregate classification (germline): Likely pathogenic (1 of 4 stars; one submission).

Conditions:
SI-related disorder. Also called: SI-related condition.

gnomAD v4.1: 2 of 1,611,708 alleles (0.00012%); highest among the groups gnomAD compares: South Asian, 0.0022%; no homozygotes.

Submission:

PreventionGenetics, part of Exact Sciences
Classification: Likely pathogenic for SI-related condition. Last evaluated: 2023-02-20. Review status: criteria provided, single submitter. Criteria: ACMG Guidelines, 2015. Collection method: clinical testing. Allele origin: germline.
Comment: The SI c.4406+1G>A variant is predicted to disrupt the GT donor site and interfere with normal splicing. To our knowledge, this variant has not been reported in the literature or in a large population database, indicating this variant is rare. Variants that disrupt the consensus splice donor site in SI are expected to be pathogenic. This variant is interpreted as likely pathogenic.